The following is an entry in ClinVar:

NM_000465.4(BARD1):c.1480_1481del (p.Gln493_Asn494insTer)

Gene: BARD1 (BRCA1 associated RING domain 1; minus strand). Cytogenetic location: 2q35.
Variant type: Deletion.
Coding change: c.1480_1481del on transcript NM_000465.4 (MANE Select); coding-DNA positions 1480 to 1481, 2 bases deleted (AA; older notation c.1480_1481delAA).
Protein change: p.Gln493_Asn494insTer.
Molecular consequence: nonsense. On other transcripts: non-coding transcript variant (3), intron variant (3).
Genome position (GRCh38, 1-based): chr2:214,767,569-214,767,570, TT deleted on the plus strand (AA on the coding strand, the reverse complement: BARD1 is on the minus strand); deleting any 2 consecutive bases within chr2:214,767,569-214,767,572 gives the same sequence; the c. name uses the placement nearest the transcript's 3' end. VCF-style (leftmost placement, unchanged base first): chr2-214767568-ATT-A. GRCh37 (hg19) VCF-style: chr2-215632292-ATT-A.
Other names: c.1480_1481delAA (NM_000465.2); c.1423_1424del, p.Gln474_Asn475insTer (NM_001282543.2); c.159-15015_159-15014del (NM_001282548.2); c.216-15015_216-15014del (NM_001282545.2); c.364+24727_364+24728del (NM_001282549.2).
Identifiers: ClinVar variation 1409281 (VCV001409281.9), dbSNP rs2106076720, ClinGen allele CA2573135124.
Genomic context (GRCh38, chr2:214,767,568, plus strand): 5'-AAGTAACAGCTTGACTATATCCACATGCCCATTCTTGGCTGCATCGTGAAGTGGTGAGTC[ATT>A]TTGATACCCGGTGGTGTTCACCAATGCCTTATGCTGGAGCAATAATTCCACTACCTTCAG-3'

ClinVar aggregate classification (germline): Pathogenic/Likely pathogenic. Review status: criteria provided, multiple submitters, no conflicts (2 of 4 stars). 3 submissions from 3 submitters: Pathogenic (2); Likely pathogenic (1). Last evaluated 2025-07-09.

Conditions:
Familial cancer of breast. Also called: hereditary breast carcinoma; Hereditary breast cancer; BREAST CANCER, FAMILIAL. Identifiers: Orphanet 227535, MedGen C0346153, MONDO:0016419, OMIM 114480. Disease mechanism: loss of function.
Hereditary cancer-predisposing syndrome. Also called: Hereditary Cancer Syndrome; Tumor predisposition; Hereditary neoplastic syndrome; Neoplastic Syndromes, Hereditary. Identifiers: Orphanet 140162, MedGen C0027672, MeSH D009386, MONDO:0015356.

Submissions (3):

Clinical Genetics Laboratory, Skane University Hospital Lund
Classification: Likely pathogenic for Familial cancer of breast. Last evaluated: 2025-07-09. Review status: criteria provided, single submitter. Criteria: ACMG Guidelines, 2015. Collection method: clinical testing. Allele origin: germline. Affected: yes.
Comment: ACMG criteria used: PVS1, PM2

Ambry Genetics
Classification: Pathogenic for Hereditary cancer-predisposing syndrome. Last evaluated: 2024-01-11. Review status: criteria provided, single submitter. Criteria: Ambry Variant Classification Scheme 2023. Collection method: clinical testing. Allele origin: germline.
Comment: The c.1480_1481delAA pathogenic mutation, located in coding exon 6 of the BARD1 gene, results from a deletion of two nucleotides at nucleotide positions 1480 to 1481, causing a translational frameshift with a predicted alternate stop codon (p.N494*). This alteration is expected to result in loss of function by premature protein truncation or nonsense-mediated mRNA decay. As such, this alteration is interpreted as a disease-causing mutation.

Labcorp Genetics (formerly Invitae), Labcorp
Classification: Pathogenic for Familial cancer of breast. Last evaluated: 2020-11-05. Review status: criteria provided, single submitter. Criteria: Invitae Variant Classification Sherloc (09022015). Collection method: clinical testing. Allele origin: germline.
Comment: For these reasons, this variant has been classified as Pathogenic. This variant has not been reported in the literature in individuals with BARD1-related conditions. This variant is not present in population databases (ExAC no frequency). This sequence change creates a premature translational stop signal (p.Asn494*) in the BARD1 gene. It is expected to result in an absent or disrupted protein product. Loss-of-function variants in BARD1 are known to be pathogenic (PMID: 20077502, 21344236).

Literature cited by the submitters: PubMed 20077502 (cited by Labcorp Genetics (formerly Invitae), Labcorp); PubMed 21344236 (cited by Labcorp Genetics (formerly Invitae), Labcorp).